The following is an entry in ClinVar:

ClinVar aggregate classification (germline): Likely benign. Review status: criteria provided, multiple submitters, no conflicts (2 of 4 stars). 4 submissions from 4 submitters: Likely benign (3). 1 of the submissions does not count toward it. Last evaluated 2025-10-26.

Conditions:
AGRN-related disorder. Also called: AGRN-related condition.
Congenital myasthenic syndrome 8. Also called: MYASTHENIC SYNDROME, CONGENITAL, DUE TO AGRIN DEFICIENCY; Myasthenic syndrome, congenital, 8, with pre- and postsynaptic defects. Identifiers: Orphanet 590, MedGen C3808739, MONDO:0014052, OMIM 615120.

Allele frequency attached by ClinVar (database versions not stated): ExAC below 0.00001; gnomAD exomes 0.00003 and 0.00010; TOPMed 0.00004; gnomAD 0.00005 and 0.00006.
gnomAD v4.1: 153 of 1,558,380 alleles (0.0098%); highest among the groups gnomAD compares: Non-Finnish European, 0.012%; no homozygotes.

Submissions (4):

Labcorp Genetics (formerly Invitae), Labcorp
Classification: Likely benign for Congenital myasthenic syndrome 8. Last evaluated: 2025-10-26. Review status: criteria provided, single submitter. Criteria: Invitae Variant Classification Sherloc (09022015). Collection method: clinical testing. Allele origin: germline.

Mayo Clinic Laboratories, Mayo Clinic
Classification: Likely benign. Last evaluated: 2025-09-19. Review status: criteria provided, single submitter. Criteria: ACMG Guidelines, 2015. Collection method: clinical testing. Allele origin: germline. Observed: 1 variant allele.
Comment: BP4, BP7

Blueprint Genetics
Classification: Likely benign. Last evaluated: 2024-10-23. Review status: criteria provided, single submitter. Criteria: ACMG Guidelines, 2015. Collection method: clinical testing. Allele origin: germline.

PreventionGenetics, part of Exact Sciences
Classification: Likely benign for AGRN-related condition. Last evaluated: 2023-04-13. Review status: no assertion criteria provided. Collection method: clinical testing. Allele origin: germline. Not counted in ClinVar's aggregate classification.
Comment: This variant is classified as likely benign based on ACMG/AMP sequence variant interpretation guidelines (Richards et al. 2015 PMID: 25741868, with internal and published modifications).

NM_198576.4(AGRN):c.5370+9G>A

Gene: AGRN (agrin; plus strand). Cytogenetic location: 1p36.33.
Variant type: single nucleotide variant.
Coding change: c.5370+9G>A on transcript NM_198576.4 (MANE Select); 9 bases into the intron after coding-DNA position 5370, G replaced by A.
Molecular consequence: intron variant.
Genome position (GRCh38, 1-based): chr1:1,051,378, G>A. VCF-style: chr1-1051378-G-A. GRCh37 (hg19) VCF-style: chr1-986758-G-A.
Other names: p.?; c.5382+9G>A (NM_001305275.2); c.5067+9G>A (NM_001364727.2).
Identifiers: ClinVar variation 702102 (VCV000702102.12), dbSNP rs774988688, ClinGen allele CA509995.
Genomic context (GRCh38, chr1:1,051,378, plus strand): 5'-GCTGGCCCGTGCTGCTGCCGTGTCCTCTGGCTTCGACGGTGCCATCCAGCTGGTATGTGG[G>A]GGCGGGGCGTCCCAGCAGGGCCTCCGGGGCGGGCGGGGTGGCAGGCGGGACAAGGCCCTC-3'